The following is an entry in ClinVar:

ClinVar aggregate classification (germline): Uncertain significance. Review status: criteria provided, multiple submitters, no conflicts (2 of 4 stars). 2 submissions from 2 submitters: Uncertain significance (2). Last evaluated 2025-04-03.

Allele frequency attached by ClinVar (database versions not stated): gnomAD 0.00001; TOPMed 0.00001; gnomAD exomes 0.00002 and 0.00004; ExAC 0.00004.
gnomAD v4.1: 10 of 1,612,486 alleles (0.00062%); highest among the groups gnomAD compares: Admixed American, 0.017%; no homozygotes.

Submissions (2):

Ambry Genetics
Classification: Uncertain significance. Last evaluated: 2025-04-03. Review status: criteria provided, single submitter. Criteria: Ambry Variant Classification Scheme 2023. Collection method: clinical testing. Allele origin: germline.

Labcorp Genetics (formerly Invitae), Labcorp
Classification: Uncertain significance. Last evaluated: 2022-09-04. Review status: criteria provided, single submitter. Criteria: Invitae Variant Classification Sherloc (09022015). Collection method: clinical testing. Allele origin: germline.
Comment: This variant has not been reported in the literature in individuals affected with SLC13A3-related conditions. In summary, the available evidence is currently insufficient to determine the role of this variant in disease. Therefore, it has been classified as a Variant of Uncertain Significance. Algorithms developed to predict the effect of missense changes on protein structure and function (SIFT, PolyPhen-2, Align-GVGD) all suggest that this variant is likely to be tolerated. ClinVar contains an entry for this variant (Variation ID: 1398251). This variant is present in population databases (rs774196710, gnomAD 0.03%). This sequence change replaces glutamine, which is neutral and polar, with histidine, which is basic and polar, at codon 455 of the SLC13A3 protein (p.Gln455His).

NM_022829.6(SLC13A3):c.1365G>T (p.Gln455His)

Gene: SLC13A3 (solute carrier family 13 member 3; minus strand). Cytogenetic location: 20q13.12.
Variant type: single nucleotide variant.
Coding change: c.1365G>T on transcript NM_022829.6 (MANE Select); coding-DNA position 1365, G replaced by T.
Protein change: p.Gln455His; replaces glutamine 455 with histidine.
Molecular consequence: missense variant.
Genome position (GRCh38, 1-based): chr20:46,566,358, C>A on the plus strand (G>T on the coding strand, the complement: SLC13A3 is on the minus strand). VCF-style: chr20-46566358-C-A. GRCh37 (hg19) VCF-style: chr20-45194997-C-A.
Other names: c.1224G>T, p.Gln408His (NM_001011554.3); c.1215G>T, p.Gln405His (NM_001193339.2); c.1119G>T, p.Gln373His (NM_001193340.2); c.1071G>T, p.Gln357His (NM_001193342.2); c.1365G>T (NM_022829.5); short protein forms Q405H, Q408H, Q357H, Q455H, Q373H.
Identifiers: ClinVar variation 1398251 (VCV001398251.7), dbSNP rs774196710, ClinGen allele CA9891288.